The following is an entry in ClinVar:

NM_001197104.2(KMT2A):c.272C>T (p.Ser91Phe)

Gene: KMT2A (lysine methyltransferase 2A; plus strand). Cytogenetic location: 11q23.3.
Variant type: single nucleotide variant.
Coding change: c.272C>T on transcript NM_001197104.2 (MANE Select); coding-DNA position 272, C replaced by T.
Protein change: p.Ser91Phe; replaces serine 91 with phenylalanine.
Molecular consequence: missense variant.
Genome position (GRCh38, 1-based): chr11:118,436,784, C>T. VCF-style: chr11-118436784-C-T. GRCh37 (hg19) VCF-style: chr11-118307499-C-T.
Other names: c.272C>T, p.Ser91Phe (NM_005933.4); short protein forms S91F.
Identifiers: ClinVar variation 1430230 (VCV001430230.8), dbSNP rs2134154363, ClinGen allele CA382797976.

ClinVar aggregate classification (germline): Uncertain significance (1 of 4 stars; one submission).

Submission:

Labcorp Genetics (formerly Invitae), Labcorp
Classification: Uncertain significance. Last evaluated: 2021-05-29. Review status: criteria provided, single submitter. Criteria: Invitae Variant Classification Sherloc (09022015). Collection method: clinical testing. Allele origin: germline.
Comment: In summary, the available evidence is currently insufficient to determine the role of this variant in disease. Therefore, it has been classified as a Variant of Uncertain Significance. Algorithms developed to predict the effect of missense changes on protein structure and function are either unavailable or do not agree on the potential impact of this missense change (SIFT: "Tolerated"; PolyPhen-2: "Not Available"; Align-GVGD: "Class C0"). This variant has not been reported in the literature in individuals with KMT2A-related conditions. This variant is not present in population databases (ExAC no frequency). This sequence change replaces serine with phenylalanine at codon 91 of the KMT2A protein (p.Ser91Phe). The serine residue is weakly conserved and there is a large physicochemical difference between serine and phenylalanine.